The following is an entry in ClinVar:

NM_003590.5(CUL3):c.122T>A (p.Ile41Asn)

Gene: CUL3 (cullin 3; minus strand). Cytogenetic location: 2q36.2.
Variant type: single nucleotide variant.
Coding change: c.122T>A on transcript NM_003590.5 (MANE Select); coding-DNA position 122, T replaced by A.
Protein change: p.Ile41Asn; replaces isoleucine 41 with asparagine.
Molecular consequence: missense variant. On other transcripts: intron variant (1).
Genome position (GRCh38, 1-based): chr2:224,557,801, A>T on the plus strand (T>A on the coding strand, the complement: CUL3 is on the minus strand). VCF-style: chr2-224557801-A-T. GRCh37 (hg19) VCF-style: chr2-225422518-A-T.
Other names: c.140T>A, p.Ile47Asn (NM_001257198.2); c.67-22160T>A (NM_001257197.2); short protein forms I41N, I47N.
Identifiers: ClinVar variation 3893454 (VCV003893454.1).

ClinVar aggregate classification (germline): Uncertain significance (1 of 4 stars; one submission).

Submission:

GeneDx
Classification: Uncertain significance. Last evaluated: 2024-10-23. Review status: criteria provided, single submitter. Criteria: GeneDx Variant Classification Process June 2021. Collection method: clinical testing. Allele origin: germline. Affected: yes.
Comment: Not observed at significant frequency in large population cohorts (gnomAD); In silico analysis supports that this missense variant has a deleterious effect on protein structure/function; Has not been previously published as pathogenic or benign to our knowledge